The following is an entry in ClinVar:

NM_004360.5(CDH1):c.1566-7C>G

Gene: CDH1 (cadherin 1; plus strand). Cytogenetic location: 16q22.1.
Variant type: single nucleotide variant.
Coding change: c.1566-7C>G on transcript NM_004360.5 (MANE Select); 7 bases into the intron before coding-DNA position 1566, C replaced by G.
Molecular consequence: intron variant.
Genome position (GRCh38, 1-based): chr16:68,819,273, C>G. VCF-style: chr16-68819273-C-G. GRCh37 (hg19) VCF-style: chr16-68853176-C-G.
Other names: c.1566-7C>G (LRG_301t1); c.18-7C>G (NM_001317185.2); c.-254-2728C>G (NM_001317186.2); c.1383-7C>G (NM_001317184.2).
Identifiers: ClinVar variation 414067 (VCV000414067.17), dbSNP rs747783435, ClinGen allele CA16614976.

ClinVar aggregate classification (germline): Conflicting classifications of pathogenicity. Review status: criteria provided, conflicting classifications (1 of 4 stars). 4 submissions from 4 submitters: Uncertain significance (2); Likely benign (2). Last evaluated 2025-12-30.

Conditions:
Hereditary cancer-predisposing syndrome. Also called: Tumor predisposition; Neoplastic Syndromes, Hereditary; Hereditary Cancer Syndrome; Hereditary neoplastic syndrome. Identifiers: Orphanet 140162, MedGen C0027672, MeSH D009386, MONDO:0015356.
Hereditary diffuse gastric adenocarcinoma (HDGC). Also called: DIFFUSE GASTRIC AND LOBULAR BREAST CANCER SYNDROME. Identifiers: Orphanet 26106, MedGen C1708349, MONDO:0007648, OMIM 137215.

gnomAD v4.1: 1 of 1,614,200 alleles (0.000062%); no homozygotes.

Submissions (4):

Labcorp Genetics (formerly Invitae), Labcorp
Classification: Likely benign for Hereditary diffuse gastric adenocarcinoma. Last evaluated: 2025-12-30. Review status: criteria provided, single submitter. Criteria: Invitae Variant Classification Sherloc (09022015). Collection method: clinical testing. Allele origin: germline.

Sema4
Classification: Uncertain significance for Hereditary cancer-predisposing syndrome. Last evaluated: 2021-08-23. Review status: criteria provided, single submitter. Criteria: Sema4 Curation Guidelines. Collection method: curation. Allele origin: germline.
Comment: The CDH1 c.1566-7C>G variant has not been reported in the literature to our knowledge. It was not observed in the large and broad cohorts of the Genome Aggregation Database (PMID: 32461654). The variant has been reported in ClinVar (Variation ID 414067). In silico tools suggest that the variant does not have an impact on splicing, though these predictions have not been confirmed by functional studies. The evidence is insufficient to meet ACMG/AMP criteria for classifying the variant as benign or pathogenic. Thus, the clinical significance of this variant is currently uncertain.

GeneDx
Classification: Uncertain significance. Last evaluated: 2021-07-26. Review status: criteria provided, single submitter. Criteria: GeneDx Variant Classification Process June 2021. Collection method: clinical testing. Allele origin: germline. Affected: yes.
Comment: Not observed at significant frequency in large population cohorts (Lek 2016); Has not been previously published as pathogenic or benign to our knowledge; In-silico analysis, which includes splice predictors and evolutionary conservation, is inconclusive as to whether the variant alters gene splicing. In the absence of RNA/functional studies, the actual effect of this sequence change is unknown.

Color Diagnostics, LLC DBA Color Health
Classification: Likely benign for Hereditary cancer-predisposing syndrome. Last evaluated: 2017-09-05. Review status: criteria provided, single submitter. Criteria: ACMG Guidelines, 2015. Collection method: clinical testing. Allele origin: germline.